The following is an entry in ClinVar:

ClinVar aggregate classification (germline): Uncertain significance (1 of 4 stars; one submission).

Allele frequency attached by ClinVar (database versions not stated): gnomAD exomes below 0.00001.

Submission:

GeneDx
Classification: Uncertain significance. Last evaluated: 2022-05-24. Review status: criteria provided, single submitter. Criteria: GeneDx Variant Classification Process June 2021. Collection method: clinical testing. Allele origin: germline. Affected: yes.
Comment: Not observed at significant frequency in large population cohorts (gnomAD); Has not been previously published as pathogenic or benign to our knowledge; In-silico analysis is inconclusive as to whether the variant alters gene splicing. In the absence of RNA/functional studies, the actual effect of this sequence change is unknown.

NM_006908.5(RAC1):c.226-1406dup

Gene: RAC1 (Rac family small GTPase 1; plus strand). Cytogenetic location: 7p22.1.
Variant type: Duplication.
Coding change: c.226-1406dup on transcript NM_006908.5 (MANE Select); 1406 bases into the intron before coding-DNA position 226, one base duplicated (T; older notation c.226-1406dupT).
Molecular consequence: intron variant. On other transcripts: splice donor variant (1).
Genome position (GRCh38, 1-based): chr7:6,398,720, T duplicated. VCF-style (leftmost placement, unchanged base first): chr7-6398719-G-GT. GRCh37 (hg19) VCF-style: chr7-6438350-G-GT.
Other names: c.282+2dup (NM_018890.4).
Identifiers: ClinVar variation 1801211 (VCV001801211.1), dbSNP rs2534041451, ClinGen allele CA2578825726.